The following is an entry in ClinVar:

ClinVar aggregate classification (germline): Benign. Review status: criteria provided, multiple submitters, no conflicts (2 of 4 stars). 3 submissions from 3 submitters: Benign (3). Last evaluated 2026-02-02.

Conditions:
Hearing loss, X-linked 6. Also called: Deafness, X-linked 6. Identifiers: Orphanet 90625, MedGen C3806737, MONDO:0010484, OMIM 300914.

Allele frequency attached by ClinVar (database versions not stated): gnomAD 0.00086 and 0.00109; gnomAD exomes 0.00265; 1000 Genomes Project 30x 0.00541; TOPMed 0.00194; ExAC 0.00261; 1000 Genomes Project 0.00636.
gnomAD v4.1: 861 of 1,203,358 alleles (0.072%); highest among the groups gnomAD compares: East Asian, 2.2%; 10 homozygotes.

Submissions (3):

Labcorp Genetics (formerly Invitae), Labcorp
Classification: Benign. Last evaluated: 2026-02-02. Review status: criteria provided, single submitter. Criteria: Invitae Variant Classification Sherloc (09022015). Collection method: clinical testing. Allele origin: germline.

Genome-Nilou Lab
Classification: Benign for Hearing loss, X-linked 6. Last evaluated: 2022-03-15. Review status: criteria provided, single submitter. Criteria: ACMG Guidelines, 2015. Collection method: clinical testing. Allele origin: germline. Affected: no.

GeneDx
Classification: Benign. Last evaluated: 2018-05-14. Review status: criteria provided, single submitter. Criteria: GeneDx Variant Classification (06012015). Collection method: clinical testing. Allele origin: germline. Affected: yes.
Comment: This variant is considered likely benign or benign based on one or more of the following criteria: it is a conservative change, it occurs at a poorly conserved position in the protein, it is predicted to be benign by multiple in silico algorithms, and/or has population frequency not consistent with disease.

NM_033641.4(COL4A6):c.432C>T (p.Leu144=)

Gene: COL4A6 (collagen type IV alpha 6 chain; minus strand). Cytogenetic location: Xq22.3.
Variant type: single nucleotide variant.
Coding change: c.432C>T on transcript NM_033641.4 (MANE Select); coding-DNA position 432, C replaced by T.
Protein change: p.Leu144=; no amino-acid change (leucine 144 retained).
Molecular consequence: synonymous variant.
Genome position (GRCh38, 1-based): chrX:108,214,121, G>A on the plus strand (C>T on the coding strand, the complement: COL4A6 is on the minus strand). VCF-style: chrX-108214121-G-A. GRCh37 (hg19) VCF-style: chrX-107457351-G-A.
Other names: c.432C>T, p.Leu144= (NM_001287758.2, NM_001287759.2, NM_001287760.2); c.435C>T, p.Leu145= (NM_001847.4).
Identifiers: ClinVar variation 682305 (VCV000682305.12), dbSNP rs2295920, ClinGen allele CA10488174.